The following is an entry in ClinVar:

NM_000256.3(MYBPC3):c.740T>A (p.Phe247Tyr)

Gene: MYBPC3 (myosin binding protein C3; minus strand). Cytogenetic location: 11p11.2.
Variant type: single nucleotide variant.
Coding change: c.740T>A on transcript NM_000256.3 (MANE Select); coding-DNA position 740, T replaced by A.
Protein change: p.Phe247Tyr; replaces phenylalanine 247 with tyrosine.
Molecular consequence: missense variant.
Genome position (GRCh38, 1-based): chr11:47,348,456, A>T on the plus strand (T>A on the coding strand, the complement: MYBPC3 is on the minus strand). VCF-style: chr11-47348456-A-T. GRCh37 (hg19) VCF-style: chr11-47370007-A-T.
Other names: short protein forms F247Y.
Identifiers: ClinVar variation 1369430 (VCV001369430.8), dbSNP rs1287929313, ClinGen allele CA380334409.

ClinVar aggregate classification (germline): Uncertain significance (1 of 4 stars; one submission).

Conditions:
Hypertrophic cardiomyopathy. Also called: HYPERTROPHIC MYOCARDIOPATHY. Identifiers: Orphanet 217569, MedGen C0007194, MeSH D002312, MONDO:0005045, HP:0001639.

Submission:

Labcorp Genetics (formerly Invitae), Labcorp
Classification: Uncertain significance for Hypertrophic cardiomyopathy. Last evaluated: 2021-06-16. Review status: criteria provided, single submitter. Criteria: Invitae Variant Classification Sherloc (09022015). Collection method: clinical testing. Allele origin: germline.
Comment: This sequence change replaces phenylalanine with tyrosine at codon 247 of the MYBPC3 protein (p.Phe247Tyr). The phenylalanine residue is highly conserved and there is a small physicochemical difference between phenylalanine and tyrosine. This variant is not present in population databases (ExAC no frequency). This variant has not been reported in the literature in individuals with MYBPC3-related conditions. Algorithms developed to predict the effect of missense changes on protein structure and function are either unavailable or do not agree on the potential impact of this missense change (SIFT: "Deleterious"; PolyPhen-2: "Probably Damaging"; Align-GVGD: "Class C15"). In summary, the available evidence is currently insufficient to determine the role of this variant in disease. Therefore, it has been classified as a Variant of Uncertain Significance.